The following is an entry in ClinVar:

NM_001292063.2(OTOG):c.3078G>A (p.Arg1026=)

Gene: OTOG (otogelin; plus strand). Cytogenetic location: 11p15.1.
Variant type: single nucleotide variant.
Coding change: c.3078G>A on transcript NM_001292063.2 (MANE Select); coding-DNA position 3078, G replaced by A.
Protein change: p.Arg1026=; no amino-acid change (arginine 1026 retained).
Molecular consequence: synonymous variant.
Genome position (GRCh38, 1-based): chr11:17,593,264, G>A. VCF-style: chr11-17593264-G-A. GRCh37 (hg19) VCF-style: chr11-17614811-G-A.
Other names: c.3114G>A, p.Arg1038= (NM_001277269.2).
Identifiers: ClinVar variation 505531 (VCV000505531.5), dbSNP rs1244694943, ClinGen allele CA473302109.

ClinVar aggregate classification (germline): Likely benign (1 of 4 stars; one submission).

Allele frequency attached by ClinVar (database versions not stated): gnomAD exomes below 0.00001 and 0.00001; gnomAD 0.00001; TOPMed 0.00001.
gnomAD v4.1: 9 of 1,550,302 alleles (0.00058%); highest among the groups gnomAD compares: Non-Finnish European, 0.00061%; no homozygotes.

Submission:

Laboratory for Molecular Medicine, Mass General Brigham Personalized Medicine
Classification: Likely benign. Last evaluated: 2016-12-22. Review status: criteria provided, single submitter. Criteria: LMM Criteria. Collection method: clinical testing. Allele origin: germline. Observed: 1 variant allele.
Comment: p.Arg1038Arg in exon 25 of OTOG: This variant is not expected to have clinical s ignificance because it does not alter an amino acid residue and is not located w ithin the splice consensus sequence.